The following is an entry in ClinVar:

ClinVar aggregate classification (germline): Likely benign. Review status: criteria provided, single submitter (1 of 4 stars). 2 submissions from 2 submitters: Likely benign (1). 1 of the submissions does not count toward it. Last evaluated 2023-10-14.

Conditions:
Bethlem myopathy 1A. Also called: Bethlem myopathy 1; Bethlem Muscular Dystrophy; MYOPATHY, BENIGN CONGENITAL, WITH CONTRACTURES. Identifiers: Orphanet 610, MedGen CN029274, MONDO:0024530, OMIM 158810.
COL6A3-related disorder. Also called: COL6A3-related condition; COL6A3-related disorders.

Allele frequency attached by ClinVar (database versions not stated): TOPMed below 0.00001; gnomAD 0.00001.
gnomAD v4.1: 2 of 1,614,016 alleles (0.00012%); highest among the groups gnomAD compares: African/African-American, 0.0013%; no homozygotes.

Submissions (2):

Labcorp Genetics (formerly Invitae), Labcorp
Classification: Likely benign for Bethlem myopathy 1A. Last evaluated: 2023-10-14. Review status: criteria provided, single submitter. Criteria: Invitae Variant Classification Sherloc (09022015). Collection method: clinical testing. Allele origin: germline.

PreventionGenetics, part of Exact Sciences
Classification: Likely benign for COL6A3-related condition. Last evaluated: 2019-08-08. Review status: no assertion criteria provided. Collection method: clinical testing. Allele origin: germline. Not counted in ClinVar's aggregate classification.
Comment: This variant is classified as likely benign based on ACMG/AMP sequence variant interpretation guidelines (Richards et al. 2015 PMID: 25741868, with internal and published modifications).

NM_004369.4(COL6A3):c.4647T>A (p.Gly1549=)

Gene: COL6A3 (collagen type VI alpha 3 chain; minus strand). Cytogenetic location: 2q37.3.
Variant type: single nucleotide variant.
Coding change: c.4647T>A on transcript NM_004369.4 (MANE Select); coding-DNA position 4647, T replaced by A.
Protein change: p.Gly1549=; no amino-acid change (glycine 1549 retained).
Molecular consequence: synonymous variant.
Genome position (GRCh38, 1-based): chr2:237,368,816, A>T on the plus strand (T>A on the coding strand, the complement: COL6A3 is on the minus strand). VCF-style: chr2-237368816-A-T. GRCh37 (hg19) VCF-style: chr2-238277459-A-T.
Other names: c.2826T>A, p.Gly942= (NM_057166.5); c.4029T>A, p.Gly1343= (NM_057167.4).
Identifiers: ClinVar variation 2739239 (VCV002739239.5), dbSNP rs1317041185, ClinGen allele CA431710840.